The following is an entry in ClinVar:

NM_000528.4(MAN2B1):c.1645-12C>T

Gene: MAN2B1 (mannosidase alpha class 2B member 1; minus strand). Cytogenetic location: 19p13.13.
Variant type: single nucleotide variant.
Coding change: c.1645-12C>T on transcript NM_000528.4 (MANE Select); 12 bases into the intron before coding-DNA position 1645, C replaced by T.
Molecular consequence: intron variant.
Genome position (GRCh38, 1-based): chr19:12,655,891, G>A on the plus strand (C>T on the coding strand, the complement: MAN2B1 is on the minus strand). VCF-style: chr19-12655891-G-A. GRCh37 (hg19) VCF-style: chr19-12766705-G-A.
Other names: p.?; c.1642-12C>T (NM_001173498.2).
Identifiers: ClinVar variation 3712180 (VCV003712180.3).

ClinVar aggregate classification (germline): Likely benign. Review status: criteria provided, multiple submitters, no conflicts (2 of 4 stars). 2 submissions from 2 submitters: Likely benign (2). Last evaluated 2025-08-08.

Conditions:
Deficiency of alpha-mannosidase (MANSA). Also called: Mannosidosis, alpha-, types I and II; LYSOSOMAL ALPHA-D-MANNOSIDASE DEFICIENCY; Alpha-Mannosidosis. Identifiers: Orphanet 61, MedGen C0024748, MONDO:0009561, OMIM 248500.

gnomAD v4.1: 5 of 1,612,902 alleles (0.00031%); highest among the groups gnomAD compares: Non-Finnish European, 0.00042%; no homozygotes.

Submissions (2):

Mayo Clinic Laboratories, Mayo Clinic
Classification: Likely benign. Last evaluated: 2025-08-08. Review status: criteria provided, single submitter. Criteria: ACMG Guidelines, 2015. Collection method: clinical testing. Allele origin: germline. Observed: 1 variant allele.
Comment: BP4, BP7

Labcorp Genetics (formerly Invitae), Labcorp
Classification: Likely benign for Deficiency of alpha-mannosidase. Last evaluated: 2024-09-21. Review status: criteria provided, single submitter. Criteria: Invitae Variant Classification Sherloc (09022015). Collection method: clinical testing. Allele origin: germline.